The following is an entry in ClinVar:

NM_020247.5(COQ8A):c.578A>G (p.His193Arg)

Gene: COQ8A (coenzyme Q8A; plus strand). Cytogenetic location: 1q42.13.
Variant type: single nucleotide variant.
Coding change: c.578A>G on transcript NM_020247.5 (MANE Select); coding-DNA position 578, A replaced by G.
Protein change: p.His193Arg; replaces histidine 193 with arginine.
Molecular consequence: missense variant.
Genome position (GRCh38, 1-based): chr1:226,965,400, A>G. VCF-style: chr1-226965400-A-G. GRCh37 (hg19) VCF-style: chr1-227153101-A-G.
Other names: c.578A>G (NM_020247.4); short protein forms H193R.
Identifiers: ClinVar variation 2441667 (VCV002441667.2), dbSNP rs779243550, ClinGen allele CA1425042.

ClinVar aggregate classification (germline): Uncertain significance. Review status: criteria provided, multiple submitters, no conflicts (2 of 4 stars). 2 submissions from 2 submitters: Uncertain significance (2). Last evaluated 2022-09-23.

Conditions:
Autosomal recessive ataxia due to ubiquinone deficiency. Also called: Coenzyme Q10 deficiency, primary, 4; SPINOCEREBELLAR ATAXIA, AUTOSOMAL RECESSIVE 9. Identifiers: Orphanet 139485, MedGen C2677589, MONDO:0012784, OMIM 612016.

Allele frequency attached by ClinVar (database versions not stated): ExAC 0.00001; gnomAD exomes 0.00001; TOPMed 0.00001; gnomAD 0.00002.
gnomAD v4.1: 15 of 1,609,464 alleles (0.00093%); highest among the groups gnomAD compares: Non-Finnish European, 0.0013%; no homozygotes.

Submissions (2):

Athena Diagnostics
Classification: Uncertain significance. Last evaluated: 2022-09-23. Review status: criteria provided, single submitter. Criteria: Athena Diagnostics Criteria. Collection method: clinical testing. Allele origin: unknown.
Comment: Available data are insufficient to determine the clinical significance of the variant at this time. The frequency of this variant in the general population is uninformative in assessment of its pathogenicity. Computational tools disagree on the variant's effect on normal protein function.

Baylor Genetics
Classification: Uncertain significance for Autosomal recessive ataxia due to ubiquinone deficiency. Last evaluated: 2022-07-12. Review status: criteria provided, single submitter. Criteria: ACMG Guidelines, 2015. Collection method: clinical testing. Allele origin: unknown.